The following is an entry in ClinVar:

NM_001017995.3(SH3PXD2B):c.1765del (p.Gln589fs)

Gene: SH3PXD2B (SH3 and PX domains 2B; minus strand). Cytogenetic location: 5q35.1.
Variant type: Deletion.
Coding change: c.1765del on transcript NM_001017995.3 (MANE Select); coding-DNA position 1765, one base deleted (C; older notation c.1765delC).
Protein change: p.Gln589fs; shifts the reading frame from glutamine 589.
Molecular consequence: frameshift variant. On other transcripts: intron variant (1).
Genome position (GRCh38, 1-based): chr5:172,339,340, G deleted on the plus strand (C on the coding strand, the reverse complement: SH3PXD2B is on the minus strand); the first of 2 consecutive G bases (chr5:172,339,340-172,339,341); deleting either gives the same sequence. VCF-style (leftmost placement, unchanged base first): chr5-172339339-TG-T. GRCh37 (hg19) VCF-style: chr5-171766343-TG-T.
Other names: c.1188+6796del (NM_001308175.2); short protein forms Q589fs.
Identifiers: ClinVar variation 3345341 (VCV003345341.1).
Genomic context (GRCh38, chr5:172,339,339, plus strand): 5'-TTCTTCACTTCCTTGGCCAAGACCTTGTGGCCACACTCCAGCCCCATGTCATTTTTCAGC[TG>T]GAACAGTCTGCTTTTGTCAGGTTTGGGCTCTGGCCTCCTGCTGTCCCGGGCTGGAGGGAT-3'

ClinVar aggregate classification (germline): Uncertain significance (0 of 4 stars; one submission).

Conditions:
SH3PXD2B-related disorder. Also called: SH3PXD2B-related condition.

Submission:

PreventionGenetics, part of Exact Sciences
Classification: Uncertain significance for SH3PXD2B-related condition. Last evaluated: 2024-09-20. Review status: no assertion criteria provided. Collection method: clinical testing. Allele origin: germline.
Comment: The SH3PXD2B c.1765delC variant is predicted to result in a frameshift and premature protein termination (p.Gln589Serfs*2). To our knowledge, this variant has not been reported in the literature or in a large population database, indicating this variant is rare. This variant is located in the last exon of this gene and no loss of function variants have been reported downstream of this position in the literature. At this time, the clinical significance of this variant is uncertain due to the absence of conclusive functional and genetic evidence.